The following is an entry in ClinVar:

ClinVar aggregate classification (germline): Uncertain significance. Review status: criteria provided, multiple submitters, no conflicts (2 of 4 stars). 2 submissions from 2 submitters: Uncertain significance (2). Last evaluated 2025-11-20.

Conditions:
Neuroblastoma, susceptibility to, 3. Also called: ALK-Related Neuroblastic Tumor Susceptibility. Identifiers: Orphanet 635, MedGen C2751681, MONDO:0013083, OMIM 613014.
Hereditary cancer-predisposing syndrome. Also called: Hereditary Cancer Syndrome; Tumor predisposition; Hereditary neoplastic syndrome; Neoplastic Syndromes, Hereditary. Identifiers: Orphanet 140162, MedGen C0027672, MeSH D009386, MONDO:0015356.

Allele frequency attached by ClinVar (database versions not stated): gnomAD exomes below 0.00001.
gnomAD v4.1: 2 of 1,614,170 alleles (0.00012%); highest among the groups gnomAD compares: Non-Finnish European, 0.000085%; no homozygotes.

Submissions (2):

Ambry Genetics
Classification: Uncertain significance for Hereditary cancer-predisposing syndrome. Last evaluated: 2025-11-20. Review status: criteria provided, single submitter. Criteria: Ambry Variant Classification Scheme 2023. Collection method: clinical testing. Allele origin: germline.
Comment: The p.P1112T variant (also known as c.3334C>A), located in coding exon 20 of the ALK gene, results from a C to A substitution at nucleotide position 3334. The proline at codon 1112 is replaced by threonine, an amino acid with highly similar properties. This amino acid position is conserved. In addition, this alteration is predicted to be deleterious by in silico analysis. Based on the available evidence, the clinical significance of this variant remains unclear.

Labcorp Genetics (formerly Invitae), Labcorp
Classification: Uncertain significance for Neuroblastoma, susceptibility to, 3. Last evaluated: 2024-01-21. Review status: criteria provided, single submitter. Criteria: Invitae Variant Classification Sherloc (09022015). Collection method: clinical testing. Allele origin: germline.
Comment: This sequence change replaces proline, which is neutral and non-polar, with threonine, which is neutral and polar, at codon 1112 of the ALK protein (p.Pro1112Thr). This variant is not present in population databases (gnomAD no frequency). This variant has not been reported in the literature in individuals affected with ALK-related conditions. An algorithm developed to predict the effect of missense changes on protein structure and function (PolyPhen-2) suggests that this variant is likely to be disruptive. In summary, the available evidence is currently insufficient to determine the role of this variant in disease. Therefore, it has been classified as a Variant of Uncertain Significance.

NM_004304.5(ALK):c.3334C>A (p.Pro1112Thr)

Gene: ALK (ALK receptor tyrosine kinase; minus strand). Cytogenetic location: 2p23.2.
Variant type: single nucleotide variant.
Coding change: c.3334C>A on transcript NM_004304.5 (MANE Select); coding-DNA position 3334, C replaced by A.
Protein change: p.Pro1112Thr; replaces proline 1112 with threonine.
Molecular consequence: missense variant.
Genome position (GRCh38, 1-based): chr2:29,223,367, G>T on the plus strand (C>A on the coding strand, the complement: ALK is on the minus strand). VCF-style: chr2-29223367-G-T. GRCh37 (hg19) VCF-style: chr2-29446233-G-T.
Other names: c.3334C>A (NM_004304.4); c.130C>A, p.Pro44Thr (NM_001353765.2); short protein forms P1112T, P44T.
Identifiers: ClinVar variation 2746673 (VCV002746673.4), dbSNP rs2148170705, ClinGen allele CA346464683.